The following is an entry in ClinVar:

ClinVar aggregate classification (germline): Likely benign (1 of 4 stars; one submission).

Allele frequency attached by ClinVar (database versions not stated): ExAC 0.00016; TOPMed 0.00023; gnomAD 0.00024; ESP Exome Variant Server 0.00046; gnomAD exomes 0.00063.
gnomAD v4.1: 938 of 1,614,080 alleles (0.058%); highest among the groups gnomAD compares: Non-Finnish European, 0.076%; no homozygotes.

Submission:

CeGaT Center for Human Genetics Tuebingen
Classification: Likely benign. Last evaluated: 2022-05-01. Review status: criteria provided, single submitter. Criteria: CeGaT Center For Human Genetics Tuebingen Variant Classification Criteria Version 2. Collection method: clinical testing. Allele origin: germline. Affected: yes. Observed: 1 variant allele.
Comment: GOPC: BP4

NM_020399.4(GOPC):c.158G>A (p.Gly53Glu)

Gene: GOPC (golgi associated PDZ and coiled-coil motif containing; minus strand). Cytogenetic location: 6q22.1.
Variant type: single nucleotide variant.
Coding change: c.158G>A on transcript NM_020399.4 (MANE Select); coding-DNA position 158, G replaced by A.
Protein change: p.Gly53Glu; replaces glycine 53 with glutamic acid.
Molecular consequence: missense variant.
Genome position (GRCh38, 1-based): chr6:117,602,131, C>T on the plus strand (G>A on the coding strand, the complement: GOPC is on the minus strand). VCF-style: chr6-117602131-C-T. GRCh37 (hg19) VCF-style: chr6-117923294-C-T.
Other names: c.158G>A, p.Gly53Glu (NM_001017408.3); short protein forms G53E.
Identifiers: ClinVar variation 2656877 (VCV002656877.24), dbSNP rs138303594, ClinGen allele CA3976998.